The following is an entry in ClinVar:

ClinVar aggregate classification (germline): Uncertain significance. Review status: criteria provided, multiple submitters, no conflicts (2 of 4 stars). 2 submissions from 2 submitters: Uncertain significance (2). Last evaluated 2025-10-21.

Conditions:
Inborn genetic diseases. Identifiers: MedGen C0950123, MeSH D030342.
Nephronophthisis. Also called: Juvenile Nephronophthisis. Identifiers: Orphanet 655, MedGen C0687120, MONDO:0019005, HP:0000090.
Jeune thoracic dystrophy. Also called: Jeune syndrome; Infantile thoracic dystrophy; Thoracic pelvic phalangeal dystrophy; Jeune's syndrome; Chondroectodermal dysplasia-like syndrome; Short-rib thoracic dysplasia. Identifiers: Orphanet 474, MedGen C0265275, MONDO:0018770.

Allele frequency attached by ClinVar (database versions not stated): gnomAD 0.00001; ExAC 0.00003; gnomAD exomes 0.00003; TOPMed 0.00003; ESP Exome Variant Server 0.00015.

Submissions (2):

Ambry Genetics
Classification: Uncertain significance for Inborn genetic diseases. Last evaluated: 2025-10-21. Review status: criteria provided, single submitter. Criteria: Ambry Variant Classification Scheme 2023. Collection method: clinical testing. Allele origin: germline.

Labcorp Genetics (formerly Invitae), Labcorp
Classification: Uncertain significance for Jeune thoracic dystrophy; Nephronophthisis. Last evaluated: 2022-07-13. Review status: criteria provided, single submitter. Criteria: Invitae Variant Classification Sherloc (09022015). Collection method: clinical testing. Allele origin: germline.
Comment: This sequence change replaces arginine, which is basic and polar, with cysteine, which is neutral and slightly polar, at codon 628 of the TTC21B protein (p.Arg628Cys). This variant is present in population databases (rs367855384, gnomAD 0.007%). This variant has not been reported in the literature in individuals affected with TTC21B-related conditions. ClinVar contains an entry for this variant (Variation ID: 1448841). Algorithms developed to predict the effect of missense changes on protein structure and function output the following: SIFT: "Tolerated"; PolyPhen-2: "Benign"; Align-GVGD: "Class C0". The cysteine amino acid residue is found in multiple mammalian species, which suggests that this missense change does not adversely affect protein function. In summary, the available evidence is currently insufficient to determine the role of this variant in disease. Therefore, it has been classified as a Variant of Uncertain Significance.

NM_024753.5(TTC21B):c.1882C>T (p.Arg628Cys)

Gene: TTC21B (tetratricopeptide repeat domain 21B; minus strand). Cytogenetic location: 2q24.3.
Variant type: single nucleotide variant.
Coding change: c.1882C>T on transcript NM_024753.5 (MANE Select); coding-DNA position 1882, C replaced by T.
Protein change: p.Arg628Cys; replaces arginine 628 with cysteine.
Molecular consequence: missense variant.
Genome position (GRCh38, 1-based): chr2:165,917,274, G>A on the plus strand (C>T on the coding strand, the complement: TTC21B is on the minus strand). VCF-style: chr2-165917274-G-A. GRCh37 (hg19) VCF-style: chr2-166773784-G-A.
Other names: c.1882C>T (NM_024753.3); short protein forms R628C.
Identifiers: ClinVar variation 1448841 (VCV001448841.4), dbSNP rs367855384, ClinGen allele CA1941997.
Genomic context (GRCh38, chr2:165,917,274, plus strand): 5'-AAGAAAGTTCACATCCGAGCCCTTAAATTAAAACTTGACCTACCTGCTCTCCATTTAAGC[G>A]GTGAACGTCTATCAATTCAAGAAAGATCGATAAACGATGGCTTGTATCAACTTCAGTTTT-3'
Protein context (NP_079029.3, residues 618-638): SIFLELIDVH[Arg628Cys]LNGEQHEATK